The following is an entry in ClinVar:

ClinVar aggregate classification (germline): Conflicting classifications of pathogenicity. Review status: criteria provided, conflicting classifications (1 of 4 stars). 11 submissions from 11 submitters: Uncertain significance (6); Likely benign (5). Last evaluated 2026-02-03.

Conditions:
FLNA-related disorder.
Melnick-Needles syndrome (MNS). Also called: MELNICK-NEEDLES OSTEODYSPLASTY; OSTEODYSPLASTY OF MELNICK AND NEEDLES; Melnick-Needles Syndrome (FLNA-MNS). Identifiers: Orphanet 2484, MedGen C0025237, MONDO:0010650, OMIM 309350.
Heterotopia, periventricular, X-linked dominant (PVNH1). Also called: PERIVENTRICULAR NODULAR HETEROTOPIA 4; HETEROTOPIA, PERIVENTRICULAR, 1; X-linked periventricular heterotopia; PERIVENTRICULAR NODULAR HETEROTOPIA 1. Identifiers: Orphanet 2149, Orphanet 82004, MedGen C1848213, MONDO:0010233, OMIM 300049.
Frontometaphyseal dysplasia (FMD1). Identifiers: Orphanet 1826, MedGen C0265293, MONDO:0015942.
Oto-palato-digital syndrome, type II (OPD2). Also called: FACIOPALATOOSSEOUS SYNDROME; Otopalatodigital Syndrome, Type II; OPD II SYNDROME; Otopalatodigital Syndrome Type 2 (FLNA-OPD2). Identifiers: Orphanet 669, Orphanet 90652, MedGen C1844696, MONDO:0010571, OMIM 304120.
Cardiac valvular dysplasia, X-linked (CVDPX). Also called: FLNA-Related X-linked Cardiac Valvular Dysplasia; VALVULAR HEART DISEASE, CONGENITAL; MYXOMATOUS VALVULAR DYSTROPHY, X-LINKED; Congenital valvular dysplasia; Isolated X-Linked Cardiac Valvular Dysplasia. Identifiers: Orphanet 1864, Orphanet 555877, Orphanet 75497, MedGen C0262436, MONDO:0010753, OMIM 314400.
Intestinal pseudoobstruction, neuronal, chronic idiopathic, X-linked (CIIPX). Also called: CONGENITAL IDIOPATHIC INTESTINAL PSEUDOOBSTRUCTION; FLNA-Related Periventricular Nodular Heterotopia (FLNA-Related PVNH; Huttenlocher Syndrome); INTESTINAL PSEUDOOBSTRUCTION, NEURONAL, CHRONIC IDIOPATHIC, WITH CENTRAL NERVOUS SYSTEM INVOLVEMENT. Identifiers: Orphanet 2301, MedGen C2746068, MONDO:0010232, OMIM 300048.
Terminal osseous dysplasia-pigmentary defects syndrome. Also called: ODPF SYNDROME; OSSEOUS DYSPLASIA, DIGITAL, WITH FACIAL PIGMENTARY DEFECTS AND MULTIPLE FRENULA; ODPD; TERMINAL OSSEOUS DYSPLASIA AND PIGMENTARY DEFECTS; Terminal Osseous Dysplasia (FLNA-TOD). Identifiers: Orphanet 88630, MedGen C1846129, MONDO:0010279, OMIM 300244.
Frontometaphyseal dysplasia 1 (FMD1). Also called: Frontometaphyseal Dysplasia (FLNA-FMD). Identifiers: Orphanet 1826, MedGen C4281559, MONDO:0024550, OMIM 305620.
FG syndrome 2 (FGS2). Identifiers: MedGen C1845902, MONDO:0010297, OMIM 300321.
Oto-palato-digital syndrome, type I (OPD1). Also called: Otopalatodigital Syndrome, Type I; Taybi syndrome; OPD I SYNDROME; OPD SYNDROME 1; Otopalatodigital Syndrome Type 1 (FLNA-OPD1). Identifiers: Orphanet 669, Orphanet 90650, MedGen C0265251, MONDO:0010704, OMIM 311300.
Familial thoracic aortic aneurysm and aortic dissection (TAAD). Also called: Thoracic aortic aneurysms and dissections. Identifiers: Orphanet 91387, MedGen C4707243, MONDO:0019625.

Allele frequency attached by ClinVar (database versions not stated): TOPMed 0.00005; gnomAD exomes 0.00006; ExAC 0.00007; gnomAD 0.00007; ESP Exome Variant Server 0.00010; 1000 Genomes Project 30x 0.00021; 1000 Genomes Project 0.00026.
gnomAD v4.1: 329 of 1,210,007 alleles (0.027%); highest among the groups gnomAD compares: Non-Finnish European, 0.035%; no homozygotes.

Submissions (11):

Labcorp Genetics (formerly Invitae), Labcorp
Classification: Likely benign for Oto-palato-digital syndrome, type II; Heterotopia, periventricular, X-linked dominant; Frontometaphyseal dysplasia; Melnick-Needles syndrome. Last evaluated: 2026-02-03. Review status: criteria provided, single submitter. Criteria: Invitae Variant Classification Sherloc (09022015). Collection method: clinical testing. Allele origin: germline.

PreventionGenetics, part of Exact Sciences
Classification: Likely benign for FLNA-related condition. Last evaluated: 2025-02-05. Review status: criteria provided, single submitter. Criteria: ACMG Guidelines, 2015. Collection method: clinical testing. Allele origin: germline.
Comment: This variant is classified as likely benign based on ACMG/AMP sequence variant interpretation guidelines (Richards et al. 2015 PMID: 25741868, with internal and published modifications).

Mayo Clinic Laboratories, Mayo Clinic
Classification: Uncertain significance. Last evaluated: 2025-01-27. Review status: criteria provided, single submitter. Criteria: ACMG Guidelines, 2015. Collection method: clinical testing. Allele origin: germline. Observed: 2 variant alleles.
Comment: BS2, PP2, PP3

Women's Health and Genetics/Laboratory Corporation of America, LabCorp
Classification: Likely benign. Last evaluated: 2024-04-22. Review status: criteria provided, single submitter. Criteria: LabCorp Variant Classification Summary - May 2015. Collection method: clinical testing. Allele origin: germline.
Comment: Variant summary: FLNA c.901C>T (p.Arg301Trp) results in a non-conservative amino acid change in the encoded protein sequence. Five of five in-silico tools predict a damaging effect of the variant on protein function. The variant allele was found at a frequency of 0.00027 in 1210007 control chromosomes. The observed variant frequency is approximately 870-fold of the estimated maximal expected allele frequency for a pathogenic variant in FLNA causing Periventricular Nodular Heterotopia phenotype (3.1e-07), strongly suggesting that the variant is benign. To our knowledge, c.901C>T has not been reported in the literature in individuals affected with Periventricular Nodular Heterotopia and no experimental evidence demonstrating an impact on protein function has been reported. ClinVar contains an entry for this variant (Variation ID: 198133). Based on the evidence outlined above, the variant was classified as likely benign.

GeneDx
Classification: Uncertain significance. Last evaluated: 2024-03-24. Review status: criteria provided, single submitter. Criteria: GeneDx Variant Classification Process June 2021. Collection method: clinical testing. Allele origin: germline. Affected: yes.
Comment: Has not been previously published as pathogenic or benign to our knowledge; In silico analysis supports that this missense variant has a deleterious effect on protein structure/function

ARUP Laboratories, Molecular Genetics and Genomics, ARUP Laboratories
Classification: Uncertain significance. Last evaluated: 2024-03-19. Review status: criteria provided, single submitter. Criteria: ARUP Molecular Germline Variant Investigation Process 2024. Collection method: clinical testing. Allele origin: germline.
Comment: The FLNA c.901C>T; p.Arg301Trp variant (rs192609440), to our knowledge, is not reported in the medical literature but is reported in ClinVar (Variation ID: 198133). This variant is found in the general population with an overall allele frequency of 0.006% (12/201,744 alleles) in the Genome Aggregation Database (v2.1.1). Computational analyses are uncertain whether this variant is neutral or deleterious (REVEL: 0.674). Due to limited information, the clinical significance of this variant is uncertain at this time.

CeGaT Center for Human Genetics Tuebingen
Classification: Likely benign. Last evaluated: 2023-10-01. Review status: criteria provided, single submitter. Criteria: CeGaT Center For Human Genetics Tuebingen Variant Classification Criteria Version 2. Collection method: clinical testing. Allele origin: germline. Affected: yes. Observed: 1 variant allele.
Comment: FLNA: BS2

Ambry Genetics
Classification: Likely benign for Familial thoracic aortic aneurysm and aortic dissection. Last evaluated: 2021-01-19. Review status: criteria provided, single submitter. Criteria: Ambry Variant Classification Scheme 2023. Collection method: clinical testing. Allele origin: germline.

Fulgent Genetics
Classification: Uncertain significance for Intestinal pseudoobstruction, neuronal, chronic idiopathic, X-linked; Heterotopia, periventricular, X-linked dominant; Terminal osseous dysplasia-pigmentary defects syndrome; FG syndrome 2; Oto-palato-digital syndrome, type II; Frontometaphyseal dysplasia 1; Melnick-Needles syndrome; Oto-palato-digital syndrome, type I; Cardiac valvular dysplasia, X-linked. Last evaluated: 2018-10-31. Review status: criteria provided, single submitter. Criteria: ACMG Guidelines, 2015. Collection method: clinical testing. Allele origin: unknown.

Genetic Services Laboratory, University of Chicago
Classification: Uncertain significance. Last evaluated: 2016-10-05. Review status: criteria provided, single submitter. Criteria: ACMG Guidelines, 2015. Collection method: clinical testing. Allele origin: germline. Affected: no.

Eurofins Ntd Llc (ga)
Classification: Uncertain significance. Last evaluated: 2014-08-13. Review status: criteria provided, single submitter. Criteria: EGL Classification Definitions 2015. Collection method: clinical testing. Allele origin: germline. Observed: 3 variant alleles, 1 heterozygote, 1 homozygote, 1 hemizygote.

Literature cited by the submitters: PubMed 30712057 (cited by Women's Health and Genetics/Laboratory Corporation of America, LabCorp).

NM_001110556.2(FLNA):c.901C>T (p.Arg301Trp)

Gene: FLNA (filamin A; minus strand). Cytogenetic location: Xq28.
Variant type: single nucleotide variant.
Coding change: c.901C>T on transcript NM_001110556.2 (MANE Select); coding-DNA position 901, C replaced by T.
Protein change: p.Arg301Trp; replaces arginine 301 with tryptophan.
Molecular consequence: missense variant.
Genome position (GRCh38, 1-based): chrX:154,366,818, G>A on the plus strand (C>T on the coding strand, the complement: FLNA is on the minus strand). VCF-style: chrX-154366818-G-A. GRCh37 (hg19) VCF-style: chrX-153595186-G-A.
Other names: p.Arg301Trp; c.901C>T, p.Arg301Trp (NM_001456.4); c.901C>T (NM_001110556.1); short protein forms R301W.
Identifiers: ClinVar variation 198133 (VCV000198133.56), dbSNP rs192609440, ClinGen allele CA246631.